The following is an entry in ClinVar:

NM_001242896.3(DEPDC5):c.3091C>T (p.Pro1031Ser)

Gene: DEPDC5 (DEP domain containing 5, GATOR1 subcomplex subunit; plus strand). Cytogenetic location: 22q12.3.
Variant type: single nucleotide variant.
Coding change: c.3091C>T on transcript NM_001242896.3 (MANE Select); coding-DNA position 3091, C replaced by T.
Protein change: p.Pro1031Ser; replaces proline 1031 with serine.
Molecular consequence: missense variant. On other transcripts: non-coding transcript variant (5).
Genome position (GRCh38, 1-based): chr22:31,846,903, C>T. VCF-style: chr22-31846903-C-T. GRCh37 (hg19) VCF-style: chr22-32242889-C-T.
Other names: c.3064C>T, p.Pro1022Ser (NM_001136029.4, NM_001369903.1, NM_014662.6); c.2857C>T, p.Pro953Ser (NM_001242897.2, NM_001363854.2, NM_001364319.2); c.3091C>T, p.Pro1031Ser (NM_001363852.2, NM_001364318.2, NM_001364320.2); c.3007C>T, p.Pro1003Ser (NM_001369901.1, NM_001369902.1); short protein forms P953S, P1022S, P1031S, P1003S.
Identifiers: ClinVar variation 2967784 (VCV002967784.3), dbSNP rs2520257928, ClinGen allele CA411292175.
Genomic context (GRCh38, chr22:31,846,903, plus strand): 5'-GCCATGAAAGGCTTGCAGATGACTGGGCCCATTTCCACGCATTCTCTGGAGTCAACTGCA[C>T]CCCCAGTGGGGAAGAAGGGAACCTCAGCTCTCTCTGCCCTGTTGGAGATGGAGGCCAGTC-3'
Protein context (NP_001229825.1, residues 1021-1041): ISTHSLESTA[Pro1031Ser]PVGKKGTSAL

ClinVar aggregate classification (germline): Uncertain significance (1 of 4 stars; one submission).

Conditions:
Familial focal epilepsy with variable foci (FPEVF). Identifiers: Orphanet 98820, MedGen C1858477, MONDO:0020310.

Submission:

Labcorp Genetics (formerly Invitae), Labcorp
Classification: Uncertain significance for Familial focal epilepsy with variable foci. Last evaluated: 2024-02-23. Review status: criteria provided, single submitter. Criteria: Invitae Variant Classification Sherloc (09022015). Collection method: clinical testing. Allele origin: germline.
Comment: This sequence change replaces proline, which is neutral and non-polar, with serine, which is neutral and polar, at codon 1031 of the DEPDC5 protein (p.Pro1031Ser). This variant is not present in population databases (gnomAD no frequency). This variant has not been reported in the literature in individuals affected with DEPDC5-related conditions. Experimental studies and prediction algorithms are not available or were not evaluated, and the functional significance of this variant is currently unknown. In summary, the available evidence is currently insufficient to determine the role of this variant in disease. Therefore, it has been classified as a Variant of Uncertain Significance.